The following is an entry in ClinVar:

NM_033004.4(NLRP1):c.2629C>T (p.Leu877Phe)

Gene: NLRP1 (NLR family pyrin domain containing 1; minus strand). Cytogenetic location: 17p13.2.
Variant type: single nucleotide variant.
Coding change: c.2629C>T on transcript NM_033004.4 (MANE Select); coding-DNA position 2629, C replaced by T.
Protein change: p.Leu877Phe; replaces leucine 877 with phenylalanine.
Molecular consequence: missense variant.
Genome position (GRCh38, 1-based): chr17:5,541,927, G>A on the plus strand (C>T on the coding strand, the complement: NLRP1 is on the minus strand). VCF-style: chr17-5541927-G-A. GRCh37 (hg19) VCF-style: chr17-5445247-G-A.
Other names: c.2629C>T, p.Leu877Phe (NM_001033053.3, NM_014922.5, NM_033006.4 and 1 more transcripts); short protein forms L877F.
Identifiers: ClinVar variation 1509288 (VCV001509288.8), dbSNP rs2151775167, ClinGen allele CA397379062.
Genomic context (GRCh38, chr17:5,541,927, plus strand): 5'-GTAGCTTGCAGCTCGGCTGTCTCAGTCTCTGGCAAAGGTGTTTGGCTCCAGCATCCGTGA[G>A]CACATTGAAGCTCAGGTCCAGCTCGGTCAGGGTCTGGTTGGCTCTCAGCCCAAAGGCAAG-3'
Protein context (NP_127497.1, residues 867-887): LTELDLSFNV[Leu877Phe]TDAGAKHLCQ

ClinVar aggregate classification (germline): Uncertain significance (1 of 4 stars; one submission).

gnomAD v4.1: 1 of 1,614,108 alleles (0.000062%); highest among the groups gnomAD compares: Non-Finnish European, 0.000085%; no homozygotes.

Submission:

Labcorp Genetics (formerly Invitae), Labcorp
Classification: Uncertain significance. Last evaluated: 2021-05-30. Review status: criteria provided, single submitter. Criteria: Invitae Variant Classification Sherloc (09022015). Collection method: clinical testing. Allele origin: germline.
Comment: In summary, the available evidence is currently insufficient to determine the role of this variant in disease. Therefore, it has been classified as a Variant of Uncertain Significance. Algorithms developed to predict the effect of missense changes on protein structure and function are either unavailable or do not agree on the potential impact of this missense change (SIFT: "Tolerated"; PolyPhen-2: "Probably Damaging"; Align-GVGD: "Class C0"). This variant has not been reported in the literature in individuals with NLRP1-related conditions. This variant is not present in population databases (ExAC no frequency). This sequence change replaces leucine with phenylalanine at codon 877 of the NLRP1 protein (p.Leu877Phe). The leucine residue is moderately conserved and there is a small physicochemical difference between leucine and phenylalanine.